The following is an entry in ClinVar:

ClinVar aggregate classification (germline): Pathogenic (1 of 4 stars; one submission).

Conditions:
Inherited polyposis and early onset colorectal cancer - germline testing.

Submission:

Cambridge Genomics Laboratory, East Genomic Laboratory Hub, NHS Genomic Medicine Service
Classification: Pathogenic for Inherited polyposis and early onset colorectal cancer - germline testing. Last evaluated: 2025-12-16. Review status: criteria provided, single submitter. Criteria: ACGS Best Practice Guidelines for Variant Classification in Rare Disease 2020. Collection method: clinical testing. Allele origin: germline. Affected: yes.
Comment: PVS1,PS4_Supporting,PM2_Supporting

NM_000038.6(APC):c.4175C>G (p.Ser1392Ter)

Gene: APC (APC regulator of Wnt signaling pathway; plus strand). Cytogenetic location: 5q22.2.
Variant type: single nucleotide variant.
Coding change: c.4175C>G on transcript NM_000038.6 (MANE Select); coding-DNA position 4175, C replaced by G.
Protein change: p.Ser1392Ter; replaces serine 1392 with a stop codon.
Molecular consequence: nonsense. On other transcripts: non-coding transcript variant (2).
Genome position (GRCh38, 1-based): chr5:112,839,769, C>G. VCF-style: chr5-112839769-C-G. GRCh37 (hg19) VCF-style: chr5-112175466-C-G.
Other names: c.4100C>G, p.Ser1367Ter (NM_001354898.2); c.4091C>G, p.Ser1364Ter (NM_001354899.2); c.4052C>G, p.Ser1351Ter (NM_001354900.2); c.3998C>G, p.Ser1333Ter (NM_001354901.2, NM_001407453.1); c.3902C>G, p.Ser1301Ter (NM_001354902.2); c.3872C>G, p.Ser1291Ter (NM_001354903.2, NM_001407458.1, NM_001407459.1 and 1 more transcripts); c.3797C>G, p.Ser1266Ter (NM_001354904.2); c.3695C>G, p.Ser1232Ter (NM_001354905.2); and 11 more; short protein forms S1008*, S1266*, S1333*, S1351*, S1382*, S1263*, S1301*, S1402*.
Identifiers: ClinVar variation 4540629 (VCV004540629.1).